The following is an entry in ClinVar:

ClinVar aggregate classification (germline): Conflicting classifications of pathogenicity. Review status: criteria provided, conflicting classifications (1 of 4 stars). 8 submissions from 7 submitters: Uncertain significance (7); Likely benign (1). Last evaluated 2025-09-01.

Conditions:
Hereditary cancer-predisposing syndrome. Also called: Neoplastic Syndromes, Hereditary; Tumor predisposition; Hereditary neoplastic syndrome; Hereditary Cancer Syndrome. Identifiers: Orphanet 140162, MedGen C0027672, MeSH D009386, MONDO:0015356.
Familial spontaneous pneumothorax (PSP). Identifiers: Orphanet 2903, MedGen C1868193, MONDO:0008259, OMIM 173600.
Birt-Hogg-Dube syndrome. Also called: Birt Hogg Dubé syndrome. Identifiers: Orphanet 122, MedGen C0346010, MONDO:0800444.
Birt-Hogg-Dube syndrome 1 (BHD1). Also called: FIBROFOLLICULOMAS WITH TRICHODISCOMAS AND ACROCHORDONS. Identifiers: Orphanet 122, MedGen CN375946, MONDO:0800445, OMIM 135150.
Colorectal cancer. Also called: Colorectal cancer, somatic; Malignant Colorectal Neoplasm. Identifiers: MedGen C0346629, MONDO:0005575, OMIM 114500.
17p11.2 microduplication syndrome (PTLS). Also called: CHROMOSOME 17p11.2 DUPLICATION SYNDROME; Potocki-Lupski syndrome; Duplication 17p11.2 syndrome; Potocki-Lupski syndrome (dup(17)(p11.2p11.2)). Identifiers: Orphanet 1713, MedGen C2931246, MONDO:0012574, OMIM 610883.
Nonpapillary renal cell carcinoma. Identifiers: Orphanet 422526, MedGen CN074294, MONDO:0007763, OMIM 144700.

Allele frequency attached by ClinVar (database versions not stated): gnomAD exomes 0.00002 and 0.00004; ExAC 0.00003.
gnomAD v4.1: 30 of 1,613,636 alleles (0.0019%); highest among the groups gnomAD compares: Non-Finnish European, 0.00034%; no homozygotes.

Submissions (8):

Labcorp Genetics (formerly Invitae), Labcorp
Classification: Uncertain significance for Birt-Hogg-Dube syndrome. Last evaluated: 2025-09-01. Review status: criteria provided, single submitter. Criteria: Invitae Variant Classification Sherloc (09022015). Collection method: clinical testing. Allele origin: germline.
Comment: This sequence change replaces proline, which is neutral and non-polar, with serine, which is neutral and polar, at codon 28 of the FLCN protein (p.Pro28Ser). This variant is present in population databases (rs749758787, gnomAD 0.08%). This variant has not been reported in the literature in individuals affected with FLCN-related conditions. ClinVar contains an entry for this variant (Variation ID: 241932). Invitae Evidence Modeling of protein sequence and biophysical properties (such as structural, functional, and spatial information, amino acid conservation, physicochemical variation, residue mobility, and thermodynamic stability) indicates that this missense variant is not expected to disrupt FLCN protein function with a negative predictive value of 80%. In summary, the available evidence is currently insufficient to determine the role of this variant in disease. Therefore, it has been classified as a Variant of Uncertain Significance.

GeneDx
Classification: Uncertain significance. Last evaluated: 2025-05-29. Review status: criteria provided, single submitter. Criteria: GeneDx Variant Classification Process June 2021. Collection method: clinical testing. Allele origin: germline. Affected: yes.
Comment: In silico analysis suggests that this missense variant does not alter protein structure/function; Observed in an individual with breast cancer (PMID: 27153395); This variant is associated with the following publications: (PMID: 27153395)

Baylor Genetics
Classification: Uncertain significance for Birt-Hogg-Dube syndrome 1. Last evaluated: 2023-07-07. Review status: criteria provided, single submitter. Criteria: ACMG Guidelines, 2015. Collection method: clinical testing. Allele origin: unknown.

Department of Pathology and Laboratory Medicine, Sinai Health System
Classification: Uncertain significance for Birt-Hogg-Dube syndrome 1. Last evaluated: 2022-09-08. Review status: criteria provided, single submitter. Criteria: ACMG Guidelines, 2015. Collection method: clinical testing. Allele origin: germline. Affected: yes.

Ambry Genetics
Classification: Likely benign for Hereditary cancer-predisposing syndrome. Last evaluated: 2022-04-12. Review status: criteria provided, single submitter. Criteria: Ambry Variant Classification Scheme 2023. Collection method: clinical testing. Allele origin: germline.

Fulgent Genetics
Classification: Uncertain significance for Colorectal cancer; Birt-Hogg-Dube syndrome 1; Nonpapillary renal cell carcinoma; Familial spontaneous pneumothorax; 17p11.2 microduplication syndrome. Last evaluated: 2021-10-29. Review status: criteria provided, single submitter. Criteria: ACMG Guidelines, 2015. Collection method: clinical testing. Allele origin: unknown.

Illumina Laboratory Services, Illumina
Classification: Uncertain significance for Birt-Hogg-Dube syndrome 1. Last evaluated: 2018-01-12. Review status: criteria provided, single submitter. Criteria: ICSL Variant Classification Criteria 13 December 2019. Collection method: clinical testing. Allele origin: germline.

Illumina Laboratory Services, Illumina
Classification: Uncertain significance for Familial spontaneous pneumothorax. Last evaluated: 2018-01-12. Review status: criteria provided, single submitter. Criteria: ICSL Variant Classification Criteria 13 December 2019. Collection method: clinical testing. Allele origin: germline.

Literature cited by the submitters: PubMed 27153395 (cited by Ambry Genetics).

NM_144997.7(FLCN):c.82C>T (p.Pro28Ser)

Gene: FLCN (folliculin; minus strand). Cytogenetic location: 17p11.2.
Variant type: single nucleotide variant.
Coding change: c.82C>T on transcript NM_144997.7 (MANE Select); coding-DNA position 82, C replaced by T.
Protein change: p.Pro28Ser; replaces proline 28 with serine.
Molecular consequence: missense variant.
Genome position (GRCh38, 1-based): chr17:17,228,056, G>A on the plus strand (C>T on the coding strand, the complement: FLCN is on the minus strand). VCF-style: chr17-17228056-G-A. GRCh37 (hg19) VCF-style: chr17-17131370-G-A.
Other names: c.82C>T (LRG_325t1); c.82C>T, p.Pro28Ser (NM_001353229.2, NM_001353230.2, NM_001353231.2 and 1 more transcripts); short protein forms P28S.
Identifiers: ClinVar variation 241932 (VCV000241932.22), dbSNP rs749758787, ClinGen allele CA8416522.